The following is an entry in ClinVar:

NM_015335.5(MED13L):c.131G>C (p.Gly44Ala)

Gene: MED13L (mediator complex subunit 13L; minus strand). Cytogenetic location: 12q24.21.
Variant type: single nucleotide variant.
Coding change: c.131G>C on transcript NM_015335.5 (MANE Select); coding-DNA position 131, G replaced by C.
Protein change: p.Gly44Ala; replaces glycine 44 with alanine.
Molecular consequence: missense variant.
Genome position (GRCh38, 1-based): chr12:116,237,647, C>G on the plus strand (G>C on the coding strand, the complement: MED13L is on the minus strand). VCF-style: chr12-116237647-C-G. GRCh37 (hg19) VCF-style: chr12-116675452-C-G.
Other names: short protein forms G44A.
Identifiers: ClinVar variation 4706422 (VCV004706422.1).

ClinVar aggregate classification (germline): Uncertain significance (1 of 4 stars; one submission).

Conditions:
Dextro-looped transposition of the great arteries. Also called: Dextrotransposition of the great arteries. Identifiers: Orphanet 860, MedGen C3531771, MONDO:0019443, OMIM 608808, HP:0031348.

Submission:

Labcorp Genetics (formerly Invitae), Labcorp
Classification: Uncertain significance for Dextro-looped transposition of the great arteries. Last evaluated: 2025-12-04. Review status: criteria provided, single submitter. Criteria: Invitae Variant Classification Sherloc (09022015). Collection method: clinical testing. Allele origin: germline.
Comment: This sequence change replaces glycine, which is neutral and non-polar, with alanine, which is neutral and non-polar, at codon 44 of the MED13L protein (p.Gly44Ala). This variant is not present in population databases (gnomAD no frequency). This variant has not been reported in the literature in individuals affected with MED13L-related conditions. Invitae Evidence Modeling of protein sequence and biophysical properties (such as structural, functional, and spatial information, amino acid conservation, physicochemical variation, residue mobility, and thermodynamic stability) indicates that this missense variant is not expected to disrupt MED13L protein function with a negative predictive value of 95%. In summary, the available evidence is currently insufficient to determine the role of this variant in disease. Therefore, it has been classified as a Variant of Uncertain Significance.